The following is an entry in ClinVar:

NM_007294.4(BRCA1):c.745A>T (p.Thr249Ser)

Gene: BRCA1 (BRCA1 DNA repair associated; minus strand). Cytogenetic location: 17q21.31.
Variant type: single nucleotide variant.
Coding change: c.745A>T on transcript NM_007294.4 (MANE Select); coding-DNA position 745, A replaced by T.
Protein change: p.Thr249Ser; replaces threonine 249 with serine.
Molecular consequence: missense variant. On other transcripts: non-coding transcript variant (1).
Genome position (GRCh38, 1-based): chr17:43,094,786, T>A on the plus strand (A>T on the coding strand, the complement: BRCA1 is on the minus strand). VCF-style: chr17-43094786-T-A. GRCh37 (hg19) VCF-style: chr17-41246803-T-A.
Other names: 864A>T; c.532A>T, p.Thr178Ser (NM_001407571.1, NM_001407853.1, NM_001407894.1 and 12 more transcripts); c.745A>T, p.Thr249Ser (NM_001407581.1, NM_001407582.1, NM_001407583.1 and 54 more transcripts); c.742A>T, p.Thr248Ser (NM_001407587.1, NM_001407590.1, NM_001407591.1 and 38 more transcripts); c.736A>T, p.Thr246Ser (NM_001407646.1, NM_001407647.1, NM_001408408.1); c.622A>T, p.Thr208Ser (NM_001407648.1, NM_001407664.1, NM_001407665.1 and 34 more transcripts); c.619A>T, p.Thr207Ser (NM_001407649.1, NM_001407670.1, NM_001407671.1 and 20 more transcripts); c.667A>T, p.Thr223Ser (NM_001407653.1, NM_001407654.1, NM_001407655.1 and 9 more transcripts); and 15 more; short protein forms T249S, T202S, T122S, T138S, T182S, T201S, T222S, T223S.
Identifiers: ClinVar variation 37696 (VCV000037696.23), dbSNP rs397507256, ClinGen allele CA003847.
Genomic context (GRCh38, chr17:43,094,786, plus strand): 5'-AGTTTGAAACAGAACTACCCTGATACTTTTCTGGATGCCTCTCAGCTGCACGCTTCTCAG[T>A]GGTGTTCAAATCATTATTACTGGGTTGATGATGTTCAGTATTTGTTACATCCGTCTCAGA-3'
Protein context (NP_009225.1, residues 239-259): HQPSNNDLNT[Thr249Ser]EKRAAERHPE

ClinVar aggregate classification (germline): Conflicting classifications of pathogenicity. Review status: criteria provided, conflicting classifications (1 of 4 stars). 8 submissions from 8 submitters: Uncertain significance (6); Likely benign (1). 1 of the submissions does not count toward it. Last evaluated 2025-07-23.

Conditions:
Hereditary cancer-predisposing syndrome. Also called: Tumor predisposition; Neoplastic Syndromes, Hereditary; Hereditary Cancer Syndrome; Hereditary neoplastic syndrome. Identifiers: Orphanet 140162, MedGen C0027672, MeSH D009386, MONDO:0015356.
Hereditary breast ovarian cancer syndrome. Also called: Hereditary breast and ovarian cancer syndrome (HBOC); Hereditary breast and ovarian cancer syndrome; Hereditary breast and ovarian cancer; Hereditary breast and/or ovarian cancer syndrome; Breast and ovarian cancer; BRCA1- and BRCA2-Associated Hereditary Breast and Ovarian Cancer. Identifiers: Orphanet 145, MedGen C0677776, MeSH D061325, MONDO:0003582. Disease mechanism: loss of function.
Breast-ovarian cancer, familial, susceptibility to, 1 (BROVCA1). Also called: OVARIAN CANCER, SUSCEPTIBILITY TO; BRCA1 Hereditary Breast and Ovarian Cancer. Identifiers: Orphanet 145, MedGen C2676676, MONDO:0011450, OMIM 604370. Disease mechanism: loss of function.

Allele frequency attached by ClinVar (database versions not stated): TOPMed 0.00001.

Submissions (8):

Labcorp Genetics (formerly Invitae), Labcorp
Classification: Uncertain significance for Hereditary breast ovarian cancer syndrome. Last evaluated: 2025-07-23. Review status: criteria provided, single submitter. Criteria: Invitae Variant Classification Sherloc (09022015). Collection method: clinical testing. Allele origin: germline.
Comment: This sequence change replaces threonine, which is neutral and polar, with serine, which is neutral and polar, at codon 249 of the BRCA1 protein (p.Thr249Ser). This variant is not present in population databases (gnomAD no frequency). This variant has not been reported in the literature in individuals affected with BRCA1-related conditions. ClinVar contains an entry for this variant (Variation ID: 37696). Invitae Evidence Modeling of protein sequence and biophysical properties (such as structural, functional, and spatial information, amino acid conservation, physicochemical variation, residue mobility, and thermodynamic stability) indicates that this missense variant is not expected to disrupt BRCA1 protein function with a negative predictive value of 80%. In summary, the available evidence is currently insufficient to determine the role of this variant in disease. Therefore, it has been classified as a Variant of Uncertain Significance.

Quest Diagnostics Nichols Institute San Juan Capistrano
Classification: Uncertain significance. Last evaluated: 2024-01-18. Review status: criteria provided, single submitter. Criteria: Quest Diagnostics criteria. Collection method: clinical testing. Allele origin: unknown.
Comment: The BRCA1 c.745A>T (p.Thr249Ser) variant has been reported in the published literature to be located in a region of the BRCA1 gene that is tolerant to missense sequence changes (PMID: 31911673 (2020)). This variant has not been reported in large, multi-ethnic general populations (Genome Aggregation Database). Analysis of this variant using bioinformatics tools for the prediction of the effect of amino acid changes on protein structure and function yielded conflicting predictions that this variant is benign or damaging. Based on the available information, we are unable to determine the clinical significance of this variant.

Ambry Genetics
Classification: Uncertain significance for Hereditary cancer-predisposing syndrome. Last evaluated: 2024-01-07. Review status: criteria provided, single submitter. Criteria: Ambry Variant Classification Scheme 2023. Collection method: clinical testing. Allele origin: germline.
Comment: The p.T249S variant (also known as c.745A>T), located in coding exon 9 of the BRCA1 gene, results from an A to T substitution at nucleotide position 745. The threonine at codon 249 is replaced by serine, an amino acid with similar properties. This amino acid position is not well conserved in available vertebrate species. In addition, the in silico prediction for this alteration is inconclusive. Since supporting evidence is limited at this time, the clinical significance of this alteration remains unclear.

University of Washington Department of Laboratory Medicine, University of Washington
Classification: Likely benign for Hereditary cancer-predisposing syndrome. Last evaluated: 2023-03-23. Review status: criteria provided, single submitter. Criteria: Dines et al. (Genet Med. 2020). Collection method: curation. Allele origin: germline.
Comment: Missense variant in a coldspot region where missense variants are very unlikely to be pathogenic (PMID:31911673).

BRCA1 coldspot (exon 11 using historical exon numbering). Reclassification based on statistical prior probability

ARUP Laboratories, Molecular Genetics and Genomics, ARUP Laboratories
Classification: Uncertain significance. Last evaluated: 2022-03-11. Review status: criteria provided, single submitter. Criteria: ARUP Molecular Germline Variant Investigation Process 2021. Collection method: clinical testing. Allele origin: germline.
Comment: The BRCA1 c.745A>T; p.Thr249Ser variant (rs397507256), to our knowledge, is not reported in the medical literature but is reported in ClinVar (Variation ID: 37696). This variant is absent from general population databases (Exome Variant Server, Genome Aggregation Database), indicating it is not a common polymorphism. The threonine at codon 249 is moderately conserved, and computational analyses are uncertain whether this variant is neutral or deleterious (REVEL: 0.568). Due to limited information, the clinical significance of the p.Thr249Ser variant is uncertain at this time.

Color Diagnostics, LLC DBA Color Health
Classification: Uncertain significance for Hereditary cancer-predisposing syndrome. Last evaluated: 2019-06-22. Review status: criteria provided, single submitter. Criteria: ACMG Guidelines, 2015. Collection method: clinical testing. Allele origin: germline.

Women's Health and Genetics/Laboratory Corporation of America, LabCorp
Classification: Uncertain significance. Last evaluated: 2017-06-08. Review status: criteria provided, single submitter. Criteria: LabCorp Variant Classification Summary - May 2015. Collection method: clinical testing. Allele origin: germline.
Comment: Variant summary: The BRCA1 c.745A>T (p.Thr249Ser) variant involves the alteration of a non-conserved nucleotide and 2/4 in silico tools (SNPsandGO not captured due to low reliability index) predict a benign outcome. However, these predictions have yet to be functionally assessed. This variant is absent in 120310 control chromosomes (ExAC). In addition, multiple clinical diagnostic laboratories classified this variant as uncertain significance. The variant of interest has not, to our knowledge, been reported in affected individuals via publications; nor evaluated for functional impact by in vivo/vitro studies. Because of the absence of clinical information and the lack of functional studies, the variant is classified as a "Variant of Uncertian Significance (VUS),"until additional information becomes available.

Sharing Clinical Reports Project (SCRP)
Classification: Uncertain significance for Breast-ovarian cancer, familial 1. Last evaluated: 2010-05-10. Review status: no assertion criteria provided. Collection method: clinical testing. Allele origin: germline. Not counted in ClinVar's aggregate classification.

Literature cited by the submitters: PubMed 31911673 (cited by Quest Diagnostics Nichols Institute San Juan Capistrano).